The following is an entry in ClinVar:

NM_173689.7(CRB2):c.2239G>A (p.Val747Met)

Gene: CRB2 (crumbs cell polarity complex component 2; plus strand). Cytogenetic location: 9q33.3.
Variant type: single nucleotide variant.
Coding change: c.2239G>A on transcript NM_173689.7 (MANE Select); coding-DNA position 2239, G replaced by A.
Protein change: p.Val747Met; replaces valine 747 with methionine.
Molecular consequence: missense variant. On other transcripts: non-coding transcript variant (1).
Genome position (GRCh38, 1-based): chr9:123,371,381, G>A. VCF-style: chr9-123371381-G-A. GRCh37 (hg19) VCF-style: chr9-126133660-G-A.
Other names: short protein forms V747M.
Identifiers: ClinVar variation 4854015 (VCV004854015.1).
Genomic context (GRCh38, chr9:123,371,381, plus strand): 5'-CACCTGGTGATGCTCAGCTTCGGGCCTGACCAGCTGCAGGACCTGGGGCAGCACGTGCAC[G>A]TGGGTGGGAGGCTCCTTGCTGCCGACAGCCAGCCCTGGGGTGGGCCCTTCCGAGGCTGCC-3'
Protein context (NP_775960.4, residues 737-757): QLQDLGQHVH[Val747Met]GGRLLAADSQ

ClinVar aggregate classification (germline): Uncertain significance (1 of 4 stars; one submission).

Conditions:
Focal segmental glomerulosclerosis 9 (FSGS9). Identifiers: Orphanet 656, MedGen C4015555, MONDO:0014539, OMIM 616220.

gnomAD v4.1: 19 of 1,607,040 alleles (0.0012%); highest among the groups gnomAD compares: South Asian, 0.0044%; no homozygotes.

Submission:

3billion
Classification: Uncertain significance for Focal segmental glomerulosclerosis 9. Last evaluated: 2025-11-27. Review status: criteria provided, single submitter. Criteria: ACMG Guidelines, 2015. Collection method: clinical testing. Allele origin: germline. Affected: yes.
Comment: The variant is observed at an extremely low frequency in the gnomAD v4.1.0 dataset (total allele frequency: 0.001%). Predicted Consequence/Location: Missense variant Damaging effect on gene or gene product predicted by in silico programs is uncertain [REVEL: 0.54 (damaging >=0.6, benign <0.4)]. Therefore, this variant is classified as VUS according to the recommendation of ACMG/AMP guideline.